The following is an entry in ClinVar:

ClinVar aggregate classification (germline): Uncertain significance (1 of 4 stars; one submission).

Allele frequency attached by ClinVar (database versions not stated): TOPMed 0.00001.
gnomAD v4.1: 3 of 1,614,064 alleles (0.00019%); highest among the groups gnomAD compares: Non-Finnish European, 0.000085%; no homozygotes.

Submission:

Labcorp Genetics (formerly Invitae), Labcorp
Classification: Uncertain significance. Last evaluated: 2022-04-07. Review status: criteria provided, single submitter. Criteria: Invitae Variant Classification Sherloc (09022015). Collection method: clinical testing. Allele origin: germline.
Comment: In summary, the available evidence is currently insufficient to determine the role of this variant in disease. Therefore, it has been classified as a Variant of Uncertain Significance. Algorithms developed to predict the effect of missense changes on protein structure and function (SIFT, PolyPhen-2, Align-GVGD) all suggest that this variant is likely to be tolerated. This variant has not been reported in the literature in individuals affected with CTNNB1-related conditions. This variant is not present in population databases (gnomAD no frequency). This sequence change replaces alanine, which is neutral and non-polar, with threonine, which is neutral and polar, at codon 117 of the CTNNB1 protein (p.Ala117Thr).

NM_001904.4(CTNNB1):c.349G>A (p.Ala117Thr)

Genes: CTNNB1 (catenin beta 1; plus strand), LOC126806658 (BRD4-independent group 4 enhancer GRCh37_chr3:41265899-41267098; plus strand). Cytogenetic location: 3p22.1.
Variant type: single nucleotide variant.
Coding change: c.349G>A on transcript NM_001904.4 (MANE Select); coding-DNA position 349, G replaced by A.
Protein change: p.Ala117Thr; replaces alanine 117 with threonine.
Molecular consequence: missense variant.
Genome position (GRCh38, 1-based): chr3:41,225,061, G>A. VCF-style: chr3-41225061-G-A. GRCh37 (hg19) VCF-style: chr3-41266552-G-A.
Other names: c.349G>A, p.Ala117Thr (NM_001098209.2, NM_001098210.2); c.328G>A, p.Ala110Thr (NM_001330729.2); short protein forms A110T, A117T.
Identifiers: ClinVar variation 2060175 (VCV002060175.4), dbSNP rs2078142518, ClinGen allele CA352229095.